The following is an entry in ClinVar:

NM_014915.3(ANKRD26):c.4805C>G (p.Thr1602Ser)

Gene: ANKRD26 (ankyrin repeat domain containing 26; minus strand). Cytogenetic location: 10p12.1.
Variant type: single nucleotide variant.
Coding change: c.4805C>G on transcript NM_014915.3 (MANE Select); coding-DNA position 4805, C replaced by G.
Protein change: p.Thr1602Ser; replaces threonine 1602 with serine.
Molecular consequence: missense variant.
Genome position (GRCh38, 1-based): chr10:27,013,030, G>C on the plus strand (C>G on the coding strand, the complement: ANKRD26 is on the minus strand). VCF-style: chr10-27013030-G-C. GRCh37 (hg19) VCF-style: chr10-27301959-G-C.
Other names: c.4802C>G, p.Thr1601Ser (NM_001256053.2); short protein forms T1602S, T1601S.
Identifiers: ClinVar variation 4103822 (VCV004103822.1).
Genomic context (GRCh38, chr10:27,013,030, plus strand): 5'-TTGAGATCTAAACTATTATTAAGATTTCCCACACAAGGTGGCTCCATGACTGGCCTGGTA[G>C]TGAGAGTGGTGAACAAAGATCTGCTCTGCTGTTTTTCCACAAGAAGTTTGGTGTTGACCT-3'
Protein context (NP_055730.2, residues 1592-1612): QQSRSLFTTL[Thr1602Ser]TRPVMEPPCV

ClinVar aggregate classification (germline): Uncertain significance (1 of 4 stars; one submission).

Conditions:
Inborn genetic diseases. Identifiers: MedGen C0950123, MeSH D030342.

Submission:

Ambry Genetics
Classification: Uncertain significance for Inborn genetic diseases. Last evaluated: 2025-07-28. Review status: criteria provided, single submitter. Criteria: Ambry Variant Classification Scheme 2023. Collection method: clinical testing. Allele origin: germline.
Comment: The p.T1602S variant (also known as c.4805C>G), located in coding exon 32 of the ANKRD26 gene, results from a C to G substitution at nucleotide position 4805. The threonine at codon 1602 is replaced by serine, an amino acid with similar properties. This amino acid position is conserved. In addition, this alteration is predicted to be tolerated by in silico analysis. Based on the available evidence, the clinical significance of this variant remains unclear.